The following is an entry in ClinVar:

NC_000017.10:g.(?_39742562)_(39767973_?)del

Genes: KRT14 (keratin 14; minus strand), KRT16 (keratin 16; minus strand). Cytogenetic location: 17q21.2.
Variant type: Deletion.
Identifiers: ClinVar variation 1070613 (VCV001070613.3).

ClinVar aggregate classification (germline): Pathogenic (1 of 4 stars; one submission).

Submission:

Labcorp Genetics (formerly Invitae), Labcorp
Classification: Pathogenic. Last evaluated: 2017-08-29. Review status: criteria provided, single submitter. Criteria: Invitae Variant Classification Sherloc (09022015). Collection method: clinical testing. Allele origin: germline.
Comment: For these reasons, this variant has been classified as Pathogenic. Loss-of-function variants in KRT14 are known to be pathogenic (PMID: 16614722, 16960809, 18049449). This deletion has not been reported in the literature in individuals with KRT14-related disease. This variant is a gross deletion of the genomic region encompassing exon 1 of the KRT14 gene, which includes the initiator codon. The 5' end of this event is unknown as it extends beyond the assayed region for this gene and therefore may encompass additional genes. The 3' boundary is likely confined to intron 1 of the KRT14 gene. This is expected to result in an absent or disrupted protein product.

Literature cited by the submitters: PubMed 16614722; PubMed 16960809; PubMed 18049449.